The following is an entry in ClinVar:

NM_000138.5(FBN1):c.802T>G (p.Ser268Ala)

Gene: FBN1 (fibrillin 1; minus strand). Cytogenetic location: 15q21.1.
Variant type: single nucleotide variant.
Coding change: c.802T>G on transcript NM_000138.5 (MANE Select); coding-DNA position 802, T replaced by G.
Protein change: p.Ser268Ala; replaces serine 268 with alanine.
Molecular consequence: missense variant.
Genome position (GRCh38, 1-based): chr15:48,534,140, A>C on the plus strand (T>G on the coding strand, the complement: FBN1 is on the minus strand). VCF-style: chr15-48534140-A-C. GRCh37 (hg19) VCF-style: chr15-48826337-A-C.
Other names: c.802T>G, p.Ser268Ala (NM_001406716.1, NM_001406717.1); short protein forms S268A.
Identifiers: ClinVar variation 3072126 (VCV003072126.1), dbSNP rs2505655429, ClinGen allele CA392352548.

ClinVar aggregate classification (germline): Uncertain significance (1 of 4 stars; one submission).

Conditions:
Marfan syndrome (MFS). Also called: MARFAN SYNDROME, TYPE I; Marfan syndrome type 1; Marfan's syndrome; Marfan syndrome, classic; FBN1-Related Marfan Syndrome. Identifiers: Orphanet 284963, Orphanet 558, MedGen C0024796, MONDO:0007947, OMIM 154700.

Submission:

All of Us Research Program, National Institutes of Health
Classification: Uncertain significance for Marfan syndrome. Last evaluated: 2023-06-26. Review status: criteria provided, single submitter. Criteria: ACMG Guidelines, 2015. Collection method: clinical testing. Allele origin: germline. Inheritance: Autosomal dominant inheritance. Observed: 1 variant allele, 1 heterozygote.
Comment: This missense variant replaces serine with alanine at codon 268 of the FBN1 protein. Computational prediction suggests that this variant may have deleterious impact on protein structure and function (internally defined REVEL score threshold >= 0.7, PMID: 27666373). To our knowledge, functional studies have not been reported for this variant. This variant has not been reported in individuals affected with FBN1-related disorders in the literature. This variant has not been identified in the general population by the Genome Aggregation Database (gnomAD). The available evidence is insufficient to determine the role of this variant in disease conclusively. Therefore, this variant is classified as a Variant of Uncertain Significance.

This study involves interpretation of variants in research participants for the purpose of population health screening. Participant phenotype was not available at the time of variant classification. Additional details can be found in publication PMID: 35346344, PMCID: PMC8962531